The following is an entry in ClinVar:

NM_001928.4(CFD):c.58G>A (p.Ala20Thr)

Gene: CFD (complement factor D; plus strand). Cytogenetic location: 19p13.3.
Variant type: single nucleotide variant.
Coding change: c.58G>A on transcript NM_001928.4 (MANE Select); coding-DNA position 58, G replaced by A.
Protein change: p.Ala20Thr; replaces alanine 20 with threonine.
Molecular consequence: missense variant.
Genome position (GRCh38, 1-based): chr19:860,619, G>A. VCF-style: chr19-860619-G-A. GRCh37 (hg19) VCF-style: chr19-860619-G-A.
Other names: c.79G>A, p.Ala27Thr (NM_001317335.2); short protein forms A20T, A27T.
Identifiers: ClinVar variation 1989973 (VCV001989973.2), dbSNP rs1374817974, ClinGen allele CA402920520.

ClinVar aggregate classification (germline): Uncertain significance. Review status: criteria provided, multiple submitters, no conflicts (2 of 4 stars). 2 submissions from 2 submitters: Uncertain significance (2). Last evaluated 2024-06-16.

Allele frequency attached by ClinVar (database versions not stated): gnomAD 0.00001; gnomAD exomes 0.00001; TOPMed 0.00002.

Submissions (2):

Ambry Genetics
Classification: Uncertain significance. Last evaluated: 2024-06-16. Review status: criteria provided, single submitter. Criteria: Ambry Variant Classification Scheme 2023. Collection method: clinical testing. Allele origin: germline.

Labcorp Genetics (formerly Invitae), Labcorp
Classification: Uncertain significance. Last evaluated: 2022-05-29. Review status: criteria provided, single submitter. Criteria: Invitae Variant Classification Sherloc (09022015). Collection method: clinical testing. Allele origin: germline.
Comment: This sequence change replaces alanine, which is neutral and non-polar, with threonine, which is neutral and polar, at codon 20 of the CFD protein (p.Ala20Thr). The frequency data for this variant in the population databases is considered unreliable, as metrics indicate poor data quality at this position in the gnomAD database. This variant has not been reported in the literature in individuals affected with CFD-related conditions. Algorithms developed to predict the effect of missense changes on protein structure and function are either unavailable or do not agree on the potential impact of this missense change (SIFT: "Not Available"; PolyPhen-2: "Possibly Damaging"; Align-GVGD: "Not Available"). In summary, the available evidence is currently insufficient to determine the role of this variant in disease. Therefore, it has been classified as a Variant of Uncertain Significance.